The following is an entry in ClinVar:

ClinVar aggregate classification (germline): Pathogenic (1 of 4 stars; one submission).

Conditions:
Neurofibromatosis, type 1 (NF1). Also called: VON RECKLINGHAUSEN DISEASE; Peripheral type neurofibromatosis; Neurofibromatosis, type I; NEUROFIBROMATOSIS, TYPE I, SOMATIC. Identifiers: Orphanet 636, MedGen C0027831, MONDO:0018975, OMIM 162200. Disease mechanism: loss of function.

Submission:

Labcorp Genetics (formerly Invitae), Labcorp
Classification: Pathogenic for Neurofibromatosis, type 1. Last evaluated: 2021-11-13. Review status: criteria provided, single submitter. Criteria: Invitae Variant Classification Sherloc (09022015). Collection method: clinical testing. Allele origin: germline.
Comment: For these reasons, this variant has been classified as Pathogenic. This variant has not been reported in the literature in individuals affected with NF1-related conditions. This variant is not present in population databases (gnomAD no frequency). This sequence change creates a premature translational stop signal (p.Glu2318Asnfs*7) in the NF1 gene. It is expected to result in an absent or disrupted protein product. Loss-of-function variants in NF1 are known to be pathogenic (PMID: 10712197, 23913538).

Literature cited by the submitters: PubMed 10712197; PubMed 23913538.

NM_001042492.3(NF1):c.7011del (p.Glu2339fs)

Gene: NF1 (neurofibromin 1; plus strand). Cytogenetic location: 17q11.2.
Variant type: Deletion.
Coding change: c.7011del on transcript NM_001042492.3 (MANE Select); coding-DNA position 7011, one base deleted (T; older notation c.7011delT).
Protein change: p.Glu2339fs; shifts the reading frame from glutamic acid 2339.
Molecular consequence: frameshift variant.
Genome position (GRCh38, 1-based): chr17:31,340,594, T deleted; the last of 2 consecutive T bases (chr17:31,340,593-31,340,594); deleting either gives the same sequence. VCF-style (leftmost placement, unchanged base first): chr17-31340592-CT-C. GRCh37 (hg19) VCF-style: chr17-29667610-CT-C.
Other names: c.6948delT, p.Glu2318Asnfs (NM_000267.4); short protein forms E2339fs, E2318fs.
Identifiers: ClinVar variation 1379820 (VCV001379820.6), dbSNP rs2151561827, ClinGen allele CA2573153892.
Genomic context (GRCh38, chr17:31,340,592, plus strand): 5'-TGGGTAGCTGTGGCTGTGCTGCAGCTTGATGAGGTCAACTTGTATTCAGCAGGTACCGCA[CT>C]TCTTGAACAAAACCTGCATACTTTAGATAGTCTCCGTATATTCAATGACAAGGTAAGCAA-3'